The following is an entry in ClinVar:

ClinVar aggregate classification (germline): Uncertain significance (1 of 4 stars; one submission).

Allele frequency attached by ClinVar (database versions not stated): gnomAD exomes below 0.00001 and 0.00001; TOPMed below 0.00001; ExAC 0.00001; gnomAD 0.00001.

Submission:

Labcorp Genetics (formerly Invitae), Labcorp
Classification: Uncertain significance. Last evaluated: 2024-04-10. Review status: criteria provided, single submitter. Criteria: Invitae Variant Classification Sherloc (09022015). Collection method: clinical testing. Allele origin: germline.
Comment: This sequence change replaces arginine, which is basic and polar, with cysteine, which is neutral and slightly polar, at codon 1670 of the PLXNA1 protein (p.Arg1670Cys). The frequency data for this variant in the population databases is considered unreliable, as metrics indicate poor data quality at this position in the gnomAD database. This variant has not been reported in the literature in individuals affected with PLXNA1-related conditions. ClinVar contains an entry for this variant (Variation ID: 1354795). Advanced modeling of protein sequence and biophysical properties (such as structural, functional, and spatial information, amino acid conservation, physicochemical variation, residue mobility, and thermodynamic stability) performed at Invitae indicates that this missense variant is expected to disrupt PLXNA1 protein function with a positive predictive value of 80%. In summary, the available evidence is currently insufficient to determine the role of this variant in disease. Therefore, it has been classified as a Variant of Uncertain Significance.

NM_032242.4(PLXNA1):c.5008C>T (p.Arg1670Cys)

Gene: PLXNA1 (plexin A1; plus strand). Cytogenetic location: 3q21.3.
Variant type: single nucleotide variant.
Coding change: c.5008C>T on transcript NM_032242.4 (MANE Select); coding-DNA position 5008, C replaced by T.
Protein change: p.Arg1670Cys; replaces arginine 1670 with cysteine.
Molecular consequence: missense variant.
Genome position (GRCh38, 1-based): chr3:127,030,011, C>T. VCF-style: chr3-127030011-C-T. GRCh37 (hg19) VCF-style: chr3-126748854-C-T.
Other names: short protein forms R1670C.
Identifiers: ClinVar variation 1354795 (VCV001354795.5), dbSNP rs747055814, ClinGen allele CA2594583.